The following is an entry in ClinVar:

ClinVar aggregate classification (germline): Benign/Likely benign. Review status: criteria provided, multiple submitters, no conflicts (2 of 4 stars). 3 submissions from 3 submitters: Benign (1); Likely benign (2). Last evaluated 2026-01-28.

Allele frequency attached by ClinVar (database versions not stated): ExAC 0.00152; gnomAD 0.00445; TOPMed 0.00450; ESP Exome Variant Server 0.00507; 1000 Genomes Project 0.00719; 1000 Genomes Project 30x 0.00812.
gnomAD v4.1: 1,252 of 1,610,376 alleles (0.078%); highest among the groups gnomAD compares: African/African-American, 1.5%; 4 homozygotes.

Submissions (3):

Labcorp Genetics (formerly Invitae), Labcorp
Classification: Benign. Last evaluated: 2026-01-28. Review status: criteria provided, single submitter. Criteria: Invitae Variant Classification Sherloc (09022015). Collection method: clinical testing. Allele origin: germline.

Mayo Clinic Laboratories, Mayo Clinic
Classification: Likely benign. Last evaluated: 2025-06-09. Review status: criteria provided, single submitter. Criteria: ACMG Guidelines, 2015. Collection method: clinical testing. Allele origin: germline. Observed: 4 variant alleles.
Comment: BS1, BP4, BP7

Blueprint Genetics
Classification: Likely benign. Last evaluated: 2024-07-15. Review status: criteria provided, single submitter. Criteria: ACMG Guidelines, 2015. Collection method: clinical testing. Allele origin: germline.

NM_005989.4(AKR1D1):c.580-11C>T

Gene: AKR1D1 (aldo-keto reductase family 1 member D1; plus strand). Cytogenetic location: 7q33.
Variant type: single nucleotide variant.
Coding change: c.580-11C>T on transcript NM_005989.4 (MANE Select); 11 bases into the intron before coding-DNA position 580, C replaced by T.
Molecular consequence: intron variant.
Genome position (GRCh38, 1-based): chr7:138,106,597, C>T. VCF-style: chr7-138106597-C-T. GRCh37 (hg19) VCF-style: chr7-137791343-C-T.
Other names: p.?; c.580-11C>T (NM_001190907.2); c.457-11C>T (NM_001190906.2).
Identifiers: ClinVar variation 1988995 (VCV001988995.6), dbSNP rs114135471, ClinGen allele CA4502751.